The following is an entry in ClinVar:

NM_182914.3(SYNE2):c.12445G>T (p.Asp4149Tyr)

Gene: SYNE2 (spectrin repeat containing nuclear envelope protein 2; plus strand). Cytogenetic location: 14q23.2.
Variant type: single nucleotide variant.
Coding change: c.12445G>T on transcript NM_182914.3 (MANE Select); coding-DNA position 12445, G replaced by T.
Protein change: p.Asp4149Tyr; replaces aspartic acid 4149 with tyrosine.
Molecular consequence: missense variant.
Genome position (GRCh38, 1-based): chr14:64,101,995, G>T. VCF-style: chr14-64101995-G-T. GRCh37 (hg19) VCF-style: chr14-64568713-G-T.
Other names: c.12445G>T, p.Asp4149Tyr (NM_015180.6); short protein forms D4149Y.
Identifiers: ClinVar variation 470922 (VCV000470922.8), dbSNP rs1555485325, ClinGen allele CA389954258.

ClinVar aggregate classification (germline): Uncertain significance (1 of 4 stars; one submission).

Conditions:
Emery-Dreifuss muscular dystrophy 5, autosomal dominant (EDMD5). Also called: EMERY-DREIFUSS MUSCULAR DYSTROPHY 5. Identifiers: Orphanet 261, MedGen C2751805, MONDO:0013072, OMIM 612999.

Submission:

Labcorp Genetics (formerly Invitae), Labcorp
Classification: Uncertain significance for Emery-Dreifuss muscular dystrophy 5, autosomal dominant. Last evaluated: 2017-06-28. Review status: criteria provided, single submitter. Criteria: Invitae Variant Classification Sherloc (09022015). Collection method: clinical testing. Allele origin: germline.
Comment: This variant is not present in population databases (ExAC no frequency). This sequence change replaces aspartic acid with tyrosine at codon 4149 of the SYNE2 protein (p.Asp4149Tyr). The aspartic acid residue is weakly conserved and there is a large physicochemical difference between aspartic acid and tyrosine. In summary, the available evidence is currently insufficient to determine the role of this variant in disease. Therefore, it has been classified as a Variant of Uncertain Significance. Algorithms developed to predict the effect of sequence changes on RNA splicing suggest that this variant may create or strengthen a splice site, but this prediction has not been confirmed by published transcriptional studies. Algorithms developed to predict the effect of missense changes on protein structure and function do not agree on the potential impact of this missense change (SIFT: "Tolerated"; PolyPhen-2: "Possibly Damaging"; Align-GVGD: "Class C0"). This variant has not been reported in the literature in individuals with SYNE2-related disease.